The following is an entry in ClinVar:

ClinVar aggregate classification (germline): Uncertain significance (1 of 4 stars; one submission).

Conditions:
Inborn genetic diseases. Identifiers: MedGen C0950123, MeSH D030342.

Submission:

Ambry Genetics
Classification: Uncertain significance for Inborn genetic diseases. Last evaluated: 2020-09-22. Review status: criteria provided, single submitter. Criteria: Ambry Variant Classification Scheme 2023. Collection method: clinical testing. Allele origin: germline.
Comment: The p.N162S variant (also known as c.485A>G), located in coding exon 5 of the FUS gene, results from an A to G substitution at nucleotide position 485. The asparagine at codon 162 is replaced by serine, an amino acid with highly similar properties. This amino acid position is well conserved in available vertebrate species. In addition, this alteration is predicted to be tolerated by in silico analysis. Since supporting evidence is limited at this time, the clinical significance of this alteration remains unclear.

NM_004960.4(FUS):c.485A>G (p.Asn162Ser)

Gene: FUS (FUS RNA binding protein; plus strand). Cytogenetic location: 16p11.2.
Variant type: single nucleotide variant.
Coding change: c.485A>G on transcript NM_004960.4 (MANE Select); coding-DNA position 485, A replaced by G.
Protein change: p.Asn162Ser; replaces asparagine 162 with serine.
Molecular consequence: missense variant. On other transcripts: non-coding transcript variant (1).
Genome position (GRCh38, 1-based): chr16:31,184,358, A>G. VCF-style: chr16-31184358-A-G. GRCh37 (hg19) VCF-style: chr16-31195679-A-G.
Other names: c.482A>G, p.Asn161Ser (NM_001170634.1); c.485A>G, p.Asn162Ser (NM_001170937.1); short protein forms N162S, N161S.
Identifiers: ClinVar variation 1743614 (VCV001743614.2), dbSNP rs2544253699, ClinGen allele CA395669053.